The following is an entry in ClinVar:

NM_001754.5(RUNX1):c.27A>G (p.Ser9=)

Gene: RUNX1 (RUNX family transcription factor 1; minus strand). Cytogenetic location: 21q22.12.
Variant type: single nucleotide variant.
Coding change: c.27A>G on transcript NM_001754.5 (MANE Select); coding-DNA position 27, A replaced by G.
Protein change: p.Ser9=; no amino-acid change (serine 9 retained).
Molecular consequence: synonymous variant.
Genome position (GRCh38, 1-based): chr21:35,048,873, T>C on the plus strand (A>G on the coding strand, the complement: RUNX1 is on the minus strand). VCF-style: chr21-35048873-T-C. GRCh37 (hg19) VCF-style: chr21-36421170-T-C.
Other names: NM_001754.5(RUNX1):c.27A>G; p.Ser9=.
Identifiers: ClinVar variation 3436409 (VCV003436409.4).

ClinVar aggregate classification (germline): Likely benign. Review status: reviewed by expert panel (3 of 4 stars). 2 submissions from 2 submitters: Likely benign (1). 1 of the submissions does not count toward it. Last evaluated 2026-05-04.

Conditions:
Inborn genetic diseases. Identifiers: MedGen C0950123, MeSH D030342.
Hereditary thrombocytopenia and hematologic cancer predisposition syndrome. Identifiers: Orphanet 71290, MedGen CN281654, MONDO:0011071.

gnomAD v4.1: 2 of 1,613,898 alleles (0.00012%); highest among the groups gnomAD compares: African/African-American, 0.0027%; no homozygotes.

Submissions (2):

ClinGen Myeloid Malignancy Variant Curation Expert Panel
Classification: Likely benign for Hereditary thrombocytopenia and hematologic cancer predisposition syndrome. Last evaluated: 2026-05-04. Review status: reviewed by expert panel. Criteria: ClinGen MyeloMalig ACMG Specifications V3.1. Collection method: curation. Allele origin: germline. Inheritance: Autosomal dominant inheritance.
Comment: NM_001754.5(RUNX1):c.27A>G (p.Ser9=) is a synonymous variant which has a MAF ≤ 0.00005 in gnomAD v4 across all subpopulations with at least 20x coverage for RUNX1 (PM2_supporting) and has a SpliceAI score ≤ 0.20 (0.1) (BP4, BP7). In summary, this variant meets criteria to be classified as likely benign. ACMG/AMP criteria applied, as specified by the Myeloid Malignancy Variant Curation Expert Panel for RUNX1: PM2_supporting, BP4, BP7.

Ambry Genetics
Classification: Likely benign for Inborn genetic diseases. Last evaluated: 2024-12-07. Review status: criteria provided, single submitter. Criteria: Ambry Variant Classification Scheme 2023. Collection method: clinical testing. Allele origin: germline. Not counted in ClinVar's aggregate classification.